The following is an entry in ClinVar:

ClinVar aggregate classification (germline): Uncertain significance. Review status: criteria provided, multiple submitters, no conflicts (2 of 4 stars). 2 submissions from 2 submitters: Uncertain significance (2). Last evaluated 2025-06-27.

Conditions:
Hereditary cancer-predisposing syndrome. Also called: Neoplastic Syndromes, Hereditary; Hereditary neoplastic syndrome; Hereditary Cancer Syndrome; Tumor predisposition. Identifiers: Orphanet 140162, MedGen C0027672, MeSH D009386, MONDO:0015356.
Neuroblastoma, susceptibility to, 3. Also called: ALK-Related Neuroblastic Tumor Susceptibility. Identifiers: Orphanet 635, MedGen C2751681, MONDO:0013083, OMIM 613014.

Allele frequency attached by ClinVar (database versions not stated): gnomAD 0.00001; gnomAD exomes 0.00001 and 0.00002; TOPMed 0.00001.
gnomAD v4.1: 6 of 1,613,280 alleles (0.00037%); highest among the groups gnomAD compares: Admixed American, 0.0083%; no homozygotes.

Submissions (2):

Labcorp Genetics (formerly Invitae), Labcorp
Classification: Uncertain significance for Neuroblastoma, susceptibility to, 3. Last evaluated: 2025-06-27. Review status: criteria provided, single submitter. Criteria: Invitae Variant Classification Sherloc (09022015). Collection method: clinical testing. Allele origin: germline.
Comment: This sequence change replaces leucine, which is neutral and non-polar, with arginine, which is basic and polar, at codon 1035 of the ALK protein (p.Leu1035Arg). This variant is present in population databases (no rsID available, gnomAD 0.01%). This variant has not been reported in the literature in individuals affected with ALK-related conditions. ClinVar contains an entry for this variant (Variation ID: 655508). An algorithm developed to predict the effect of missense changes on protein structure and function (PolyPhen-2) suggests that this variant is likely to be disruptive. In summary, the available evidence is currently insufficient to determine the role of this variant in disease. Therefore, it has been classified as a Variant of Uncertain Significance.

Ambry Genetics
Classification: Uncertain significance for Hereditary cancer-predisposing syndrome. Last evaluated: 2025-03-02. Review status: criteria provided, single submitter. Criteria: Ambry Variant Classification Scheme 2023. Collection method: clinical testing. Allele origin: germline.
Comment: The p.L1035R variant (also known as c.3104T>G), located in coding exon 19 of the ALK gene, results from a T to G substitution at nucleotide position 3104. The leucine at codon 1035 is replaced by arginine, an amino acid with dissimilar properties. This amino acid position is conserved. In addition, this alteration is predicted to be deleterious by in silico analysis. Since supporting evidence is limited at this time, the clinical significance of this alteration remains unclear.

NM_004304.5(ALK):c.3104T>G (p.Leu1035Arg)

Gene: ALK (ALK receptor tyrosine kinase; minus strand). Cytogenetic location: 2p23.2.
Variant type: single nucleotide variant.
Coding change: c.3104T>G on transcript NM_004304.5 (MANE Select); coding-DNA position 3104, T replaced by G.
Protein change: p.Leu1035Arg; replaces leucine 1035 with arginine.
Molecular consequence: missense variant.
Genome position (GRCh38, 1-based): chr2:29,225,529, A>C on the plus strand (T>G on the coding strand, the complement: ALK is on the minus strand). VCF-style: chr2-29225529-A-C. GRCh37 (hg19) VCF-style: chr2-29448395-A-C.
Other names: short protein forms L1035R.
Identifiers: ClinVar variation 655508 (VCV000655508.11), dbSNP rs1366270319, ClinGen allele CA346466978.